The following is an entry in ClinVar:

NM_001374736.1(DST):c.19971A>T (p.Glu6657Asp)

Gene: DST (dystonin; minus strand). Cytogenetic location: 6p12.1.
Variant type: single nucleotide variant.
Coding change: c.19971A>T on transcript NM_001374736.1 (MANE Select); coding-DNA position 19971, A replaced by T.
Protein change: p.Glu6657Asp; replaces glutamic acid 6657 with aspartic acid.
Molecular consequence: missense variant.
Genome position (GRCh38, 1-based): chr6:56,497,979, T>A on the plus strand (A>T on the coding strand, the complement: DST is on the minus strand). VCF-style: chr6-56497979-T-A. GRCh37 (hg19) VCF-style: chr6-56362777-T-A.
Other names: c.13614A>T, p.Glu4538Asp (NM_001144769.5); c.13200A>T, p.Glu4400Asp (NM_001144770.2); c.19971A>T, p.Glu6657Asp (NM_001374722.1); c.19011A>T, p.Glu6337Asp (NM_001374729.1); c.12753A>T, p.Glu4251Asp (NM_001374730.1); c.19998A>T, p.Glu6666Asp (NM_001374734.1); c.13080A>T, p.Glu4360Asp (NM_001386100.1, NM_183380.4); c.12102A>T, p.Glu4034Asp (NM_015548.5); short protein forms E4034D, E4400D, E4360D, E4538D, E6657D, E4251D, E6337D, E6666D.
Identifiers: ClinVar variation 2150624 (VCV002150624.4), dbSNP rs374084389, ClinGen allele CA3866868.

ClinVar aggregate classification (germline): Uncertain significance (1 of 4 stars; one submission).

Conditions:
Hereditary sensory and autonomic neuropathy type 6. Also called: Neuropathy, hereditary sensory and autonomic, type VI; HSAN VI. Identifiers: Orphanet 314381, MedGen C3539003, MONDO:0013839, OMIM 614653.
Epidermolysis bullosa simplex 3, localized or generalized intermediate, with BP230 deficiency (EBS3). Also called: Epidermolysis bullosa simplex due to BP230 deficiency; Epidermolysis bullosa simplex, autosomal recessive 2. Identifiers: Orphanet 412181, MedGen C3809470, MONDO:0014180, OMIM 615425.

Allele frequency attached by ClinVar (database versions not stated): gnomAD exomes 0.00001; ExAC 0.00002; ESP Exome Variant Server 0.00008; gnomAD 0.00008; TOPMed 0.00010.
gnomAD v4.1: 17 of 1,613,438 alleles (0.0011%); highest among the groups gnomAD compares: African/African-American, 0.015%; no homozygotes.

Submission:

Labcorp Genetics (formerly Invitae), Labcorp
Classification: Uncertain significance for Epidermolysis bullosa simplex 3, localized or generalized intermediate, with BP230 deficiency; Hereditary sensory and autonomic neuropathy type 6. Last evaluated: 2024-09-17. Review status: criteria provided, single submitter. Criteria: Invitae Variant Classification Sherloc (09022015). Collection method: clinical testing. Allele origin: germline.
Comment: The DST gene has multiple clinically relevant transcripts. This variant occurs in alternate transcript NM_015548.4, and corresponds to NM_001723.5:c.*117538A>T in the primary transcript. This sequence change replaces glutamic acid, which is acidic and polar, with aspartic acid, which is acidic and polar, at codon 4034 of the DST protein (p.Glu4034Asp). This variant is present in population databases (rs374084389, gnomAD 0.02%). This variant has not been reported in the literature in individuals affected with DST-related conditions. Experimental studies and prediction algorithms are not available or were not evaluated, and the functional significance of this variant is currently unknown. In summary, the available evidence is currently insufficient to determine the role of this variant in disease. Therefore, it has been classified as a Variant of Uncertain Significance.